The following is an entry in ClinVar:

NM_015631.6(TCTN3):c.1088G>A (p.Arg363His)

Gene: TCTN3 (tectonic family member 3; minus strand). Cytogenetic location: 10q24.1.
Variant type: single nucleotide variant.
Coding change: c.1088G>A on transcript NM_015631.6 (MANE Select); coding-DNA position 1088, G replaced by A.
Protein change: p.Arg363His; replaces arginine 363 with histidine.
Molecular consequence: missense variant. On other transcripts: intron variant (1).
Genome position (GRCh38, 1-based): chr10:95,684,506, C>T on the plus strand (G>A on the coding strand, the complement: TCTN3 is on the minus strand). VCF-style: chr10-95684506-C-T. GRCh37 (hg19) VCF-style: chr10-97444263-C-T.
Other names: c.652-877G>A (NM_001143973.2); short protein forms R363H.
Identifiers: ClinVar variation 1447032 (VCV001447032.5), dbSNP rs1267547707, ClinGen allele CA377704654.

ClinVar aggregate classification (germline): Uncertain significance (1 of 4 stars; one submission).

Conditions:
Joubert syndrome 18 (JBTS18). Identifiers: Orphanet 2754, MedGen C3553758, MONDO:0013896, OMIM 614815.
Orofacial-digital syndrome IV (OFD4). Also called: Orofaciodigital syndrome IV; BARAITSER-BURN SYNDROME; MOHR-MAJEWSKI SYNDROME; OFD SYNDROME WITH TIBIAL DEFECTS; OFD SYNDROME, BARAITSER-BURN TYPE; OFDS IV. Identifiers: Orphanet 2753, MedGen C0406727, MONDO:0009794, OMIM 258860.

Allele frequency attached by ClinVar (database versions not stated): gnomAD exomes below 0.00001; gnomAD 0.00001; TOPMed 0.00002.

Submission:

Labcorp Genetics (formerly Invitae), Labcorp
Classification: Uncertain significance for Joubert syndrome 18; Orofacial-digital syndrome IV. Last evaluated: 2024-10-26. Review status: criteria provided, single submitter. Criteria: Invitae Variant Classification Sherloc (09022015). Collection method: clinical testing. Allele origin: germline.
Comment: This sequence change replaces arginine, which is basic and polar, with histidine, which is basic and polar, at codon 363 of the TCTN3 protein (p.Arg363His). This variant is present in population databases (no rsID available, gnomAD 0.007%). This variant has not been reported in the literature in individuals affected with TCTN3-related conditions. ClinVar contains an entry for this variant (Variation ID: 1447032). Invitae Evidence Modeling of protein sequence and biophysical properties (such as structural, functional, and spatial information, amino acid conservation, physicochemical variation, residue mobility, and thermodynamic stability) indicates that this missense variant is not expected to disrupt TCTN3 protein function with a negative predictive value of 80%. In summary, the available evidence is currently insufficient to determine the role of this variant in disease. Therefore, it has been classified as a Variant of Uncertain Significance.